The following is an entry in ClinVar:

ClinVar aggregate classification (germline): Uncertain significance (1 of 4 stars; one submission).

Conditions:
Autosomal recessive ataxia, Beauce type. Also called: SYNE1-Related Autosomal Recessive Cerebellar Ataxia; Spinocerebellar ataxia, autosomal recessive 8; ATAXIA, RECESSIVE, OF BEAUCE; SYNE1 Deficiency. Identifiers: Orphanet 88644, MedGen C1853116, MONDO:0012549, OMIM 610743.
Emery-Dreifuss muscular dystrophy 4, autosomal dominant (EDMD4). Also called: EMERY-DREIFUSS MUSCULAR DYSTROPHY 4 WITH VARIABLE FEATURES. Identifiers: Orphanet 261, MedGen C2751807, MONDO:0013071, OMIM 612998.

Submission:

Labcorp Genetics (formerly Invitae), Labcorp
Classification: Uncertain significance for Emery-Dreifuss muscular dystrophy 4, autosomal dominant; Autosomal recessive ataxia, Beauce type. Last evaluated: 2022-05-16. Review status: criteria provided, single submitter. Criteria: Invitae Variant Classification Sherloc (09022015). Collection method: clinical testing. Allele origin: germline.
Comment: This variant is not present in population databases (gnomAD no frequency). This sequence change replaces glutamic acid, which is acidic and polar, with alanine, which is neutral and non-polar, at codon 5041 of the SYNE1 protein (p.Glu5041Ala). This variant has not been reported in the literature in individuals affected with SYNE1-related conditions. Algorithms developed to predict the effect of missense changes on protein structure and function (SIFT, PolyPhen-2, Align-GVGD) all suggest that this variant is likely to be tolerated. In summary, the available evidence is currently insufficient to determine the role of this variant in disease. Therefore, it has been classified as a Variant of Uncertain Significance.

NM_182961.4(SYNE1):c.15335A>C (p.Glu5112Ala)

Gene: SYNE1 (spectrin repeat containing nuclear envelope protein 1; minus strand). Cytogenetic location: 6q25.2.
Variant type: single nucleotide variant.
Coding change: c.15335A>C on transcript NM_182961.4 (MANE Select); coding-DNA position 15335, A replaced by C.
Protein change: p.Glu5112Ala; replaces glutamic acid 5112 with alanine.
Molecular consequence: missense variant.
Genome position (GRCh38, 1-based): chr6:152,326,061, T>G on the plus strand (A>C on the coding strand, the complement: SYNE1 is on the minus strand). VCF-style: chr6-152326061-T-G. GRCh37 (hg19) VCF-style: chr6-152647196-T-G.
Other names: c.15122A>C, p.Glu5041Ala (NM_033071.5); short protein forms E5112A, E5041A.
Identifiers: ClinVar variation 1499856 (VCV001499856.8), dbSNP rs2153953000, ClinGen allele CA366092972.
Genomic context (GRCh38, chr6:152,326,061, plus strand): 5'-GTCTTCAACAAAGAAAACTCAGACAATTTCTTTTCTGTATCATTCATCAATTCAATAACC[T>G]CTTCCCTTGCTTTCTGGTAATCGTGCCATTGAGCTGTGCATCTTGAAAGAGTCCAACAGA-3'
Protein context (NP_892006.3, residues 5102-5122): QWHDYQKARE[Glu5112Ala]VIELMNDTEK